The following is an entry in ClinVar:

NM_000037.4(ANK1):c.4606C>T (p.Arg1536Cys)

Gene: ANK1 (ankyrin 1; minus strand). Cytogenetic location: 8p11.21.
Variant type: single nucleotide variant.
Coding change: c.4606C>T on transcript NM_000037.4 (MANE Select); coding-DNA position 4606, C replaced by T.
Protein change: p.Arg1536Cys; replaces arginine 1536 with cysteine.
Molecular consequence: missense variant. On other transcripts: intron variant (1).
Genome position (GRCh38, 1-based): chr8:41,672,844, G>A on the plus strand (C>T on the coding strand, the complement: ANK1 is on the minus strand). VCF-style: chr8-41672844-G-A. GRCh37 (hg19) VCF-style: chr8-41530362-G-A.
Other names: c.4606C>T (NM_020476.2); c.4729C>T, p.Arg1577Cys (NM_001142446.2); c.4606C>T, p.Arg1536Cys (NM_020475.3, NM_020476.3); c.4538-418C>T (NM_020477.3); short protein forms R1536C, R1577C.
Identifiers: ClinVar variation 617975 (VCV000617975.24), dbSNP rs146416859, ClinGen allele CA4727477.
Genomic context (GRCh38, chr8:41,672,844, plus strand): 5'-CCGTGGCCGCCAAGGGGATGGCGTCTAGGACGGCCACCTCATTCCAGTACTGGTCTGCAC[G>A]TAGCGGAGAGGAAAGTGCACAGCCCAGGGAGGCAGGGGACAGCAGCTCGTCCTGCAGTGA-3'
Protein context (NP_000028.3, residues 1526-1546): SLGCALSSPL[Arg1536Cys]ADQYWNEVAV

ClinVar aggregate classification (germline): Conflicting classifications of pathogenicity. Review status: criteria provided, conflicting classifications (1 of 4 stars). 7 submissions from 6 submitters: Uncertain significance (2); Benign (1); Likely benign (3). 1 of the submissions does not count toward it. Last evaluated 2026-01-03.

Conditions:
ANK1-related disorder. Also called: ANK1-related condition.
Inborn genetic diseases. Identifiers: MedGen C0950123, MeSH D030342.
Hereditary spherocytosis type 1. Also called: Spherocytosis type 1; ANK1-Related Spherocytosis. Identifiers: Orphanet 822, MedGen C2674218, MONDO:0008447, OMIM 182900.
Spherocytosis. Identifiers: MedGen C0553720, HP:0004444.

Allele frequency attached by ClinVar (database versions not stated): ESP Exome Variant Server 0.00085; ExAC 0.00086; gnomAD exomes 0.00100 and 0.00148; TOPMed 0.00106; gnomAD 0.00114 and 0.00121.
gnomAD v4.1: 2,357 of 1,611,634 alleles (0.15%); highest among the groups gnomAD compares: Admixed American, 0.19%; 2 homozygotes.

Submissions (7):

Labcorp Genetics (formerly Invitae), Labcorp
Classification: Likely benign. Last evaluated: 2026-01-03. Review status: criteria provided, single submitter. Criteria: Invitae Variant Classification Sherloc (09022015). Collection method: clinical testing. Allele origin: germline.

ARUP Laboratories, Molecular Genetics and Genomics, ARUP Laboratories
Classification: Likely benign for Hereditary spherocytosis type 1. Last evaluated: 2024-05-20. Review status: criteria provided, single submitter. Criteria: ARUP Molecular Germline Variant Investigation Process 2024. Collection method: clinical testing. Allele origin: germline.

Mayo Clinic Laboratories, Mayo Clinic
Classification: Benign. Last evaluated: 2023-05-30. Review status: criteria provided, single submitter. Criteria: ACMG Guidelines, 2015. Collection method: clinical testing. Allele origin: germline. Observed: 2 variant alleles.
Comment: BS1, BP4_strong

Ambry Genetics
Classification: Uncertain significance for Inborn genetic diseases. Last evaluated: 2022-08-02. Review status: criteria provided, single submitter. Criteria: Ambry Variant Classification Scheme 2023. Collection method: clinical testing. Allele origin: germline.

Illumina Laboratory Services, Illumina
Classification: Uncertain significance for Spherocytosis. Last evaluated: 2018-01-12. Review status: criteria provided, single submitter. Criteria: ICSL Variant Classification Criteria 13 December 2019. Collection method: clinical testing. Allele origin: germline.

Illumina Laboratory Services, Illumina
Classification: Likely benign for Hereditary spherocytosis type 1. Last evaluated: 2018-01-12. Review status: criteria provided, single submitter. Criteria: ICSL Variant Classification Criteria 13 December 2019. Collection method: clinical testing. Allele origin: germline.
Comment: This variant was observed in the ICSL laboratory as part of a predisposition screen in an ostensibly healthy population. It had not been previously curated by ICSL or reported in the Human Gene Mutation Database (HGMD: prior to June 1st, 2018), and was therefore a candidate for classification through an automated scoring system. Utilizing variant allele frequency, disease prevalence and penetrance estimates, and inheritance mode, an automated score was calculated to assess if this variant is too frequent to cause the disease. Based on the score and internal cut-off values, a variant classified as likely benign is not then subjected to further curation. The score for this variant resulted in a classification of likely benign for this disease.

PreventionGenetics, part of Exact Sciences
Classification: Likely benign for ANK1-related condition. Last evaluated: 2020-06-11. Review status: no assertion criteria provided. Collection method: clinical testing. Allele origin: germline. Not counted in ClinVar's aggregate classification.
Comment: This variant is classified as likely benign based on ACMG/AMP sequence variant interpretation guidelines (Richards et al. 2015 PMID: 25741868, with internal and published modifications).